The following is an entry in ClinVar:

NM_000112.4(SLC26A2):c.1034T>A (p.Leu345Ter)

Gene: SLC26A2 (solute carrier family 26 member 2; plus strand). Cytogenetic location: 5q32.
Variant type: single nucleotide variant.
Coding change: c.1034T>A on transcript NM_000112.4 (MANE Select); coding-DNA position 1034, T replaced by A.
Protein change: p.Leu345Ter; replaces leucine 345 with a stop codon.
Molecular consequence: nonsense.
Genome position (GRCh38, 1-based): chr5:149,980,627, T>A. VCF-style: chr5-149980627-T-A. GRCh37 (hg19) VCF-style: chr5-149360190-T-A.
Other names: short protein forms L345*.
Identifiers: ClinVar variation 2503883 (VCV002503883.1), dbSNP rs1755079640, ClinGen allele CA361707001.

ClinVar aggregate classification (germline): Likely pathogenic (1 of 4 stars; one submission).

Conditions:
Osteochondrodysplasia. Identifiers: MedGen C0029422, MONDO:0005516.

Submission:

Women's Health and Genetics/Laboratory Corporation of America, LabCorp
Classification: Likely pathogenic for Osteochondrodysplasia. Last evaluated: 2023-04-04. Review status: criteria provided, single submitter. Criteria: LabCorp Variant Classification Summary - May 2015. Collection method: clinical testing. Allele origin: germline.
Comment: Variant summary: SLC26A2 c.1034T>A (p.Leu345X) results in a premature termination codon, predicted to cause a truncation of the encoded protein or absence of the protein due to nonsense mediated decay, which are commonly known mechanisms for disease. Truncations downstream of this position have been classified as pathogenic by our laboratory. The variant was absent in 251120 control chromosomes (gnomAD). To our knowledge, no occurrence of c.1034T>A in individuals affected with Sulfate Transporter-Related Osteochondrodysplasia and no experimental evidence demonstrating its impact on protein function have been reported. No clinical diagnostic laboratories have submitted clinical-significance assessments for this variant to ClinVar after 2014. Based on the evidence outlined above, the variant was classified as likely pathogenic.